The following is an entry in ClinVar:

ClinVar aggregate classification (germline): Likely benign (1 of 4 stars; one submission).

Allele frequency attached by ClinVar (database versions not stated): gnomAD exomes below 0.00001.

Submission:

Laboratory for Molecular Medicine, Mass General Brigham Personalized Medicine
Classification: Likely benign. Last evaluated: 2017-09-12. Review status: criteria provided, single submitter. Criteria: LMM Criteria. Collection method: clinical testing. Allele origin: germline. Observed: 1 variant allele.
Comment: p.Met1429Val variant in exon 36 OTOGL: This variant is not expected to have clin ical significance due to a lack of conservation across species, including mammal s. Of note, 5 mammals (squirrel, rat, horse, ferret, Tasmanian devil) have a Val ine (Val) at this position despite high nearby amino acid conservation. In addit ion, computational prediction tools do not suggest a high likelihood of impact t o the protein.

NM_001378609.3(OTOGL):c.4312A>G (p.Met1438Val)

Gene: OTOGL (otogelin like; plus strand). Cytogenetic location: 12q21.31.
Variant type: single nucleotide variant.
Coding change: c.4312A>G on transcript NM_001378609.3 (MANE Select); coding-DNA position 4312, A replaced by G.
Protein change: p.Met1438Val; replaces methionine 1438 with valine.
Molecular consequence: missense variant.
Genome position (GRCh38, 1-based): chr12:80,329,083, A>G. VCF-style: chr12-80329083-A-G. GRCh37 (hg19) VCF-style: chr12-80722863-A-G.
Other names: c.4177A>G, p.Met1393Val (NM_001368062.3); c.4312A>G, p.Met1438Val (NM_001378610.3, NM_173591.7); short protein forms M1429V, M1393V, M1438V.
Identifiers: ClinVar variation 506022 (VCV000506022.5), dbSNP rs1555298321, ClinGen allele CA385876771.